The following is an entry in ClinVar:

NM_004181.5(UCHL1):c.113C>T (p.Ser38Phe)

Gene: UCHL1 (ubiquitin C-terminal hydrolase L1; plus strand). Cytogenetic location: 4p13.
Variant type: single nucleotide variant.
Coding change: c.113C>T on transcript NM_004181.5 (MANE Select); coding-DNA position 113, C replaced by T.
Protein change: p.Ser38Phe; replaces serine 38 with phenylalanine.
Molecular consequence: missense variant.
Genome position (GRCh38, 1-based): chr4:41,257,676, C>T. VCF-style: chr4-41257676-C-T. GRCh37 (hg19) VCF-style: chr4-41259693-C-T.
Other names: short protein forms S38F.
Identifiers: ClinVar variation 1954778 (VCV001954778.5), dbSNP rs891423143, ClinGen allele CA95778134.

ClinVar aggregate classification (germline): Uncertain significance (1 of 4 stars; one submission).

Submission:

Labcorp Genetics (formerly Invitae), Labcorp
Classification: Uncertain significance. Last evaluated: 2023-06-23. Review status: criteria provided, single submitter. Criteria: Invitae Variant Classification Sherloc (09022015). Collection method: clinical testing. Allele origin: germline.
Comment: This sequence change replaces serine, which is neutral and polar, with phenylalanine, which is neutral and non-polar, at codon 38 of the UCHL1 protein (p.Ser38Phe). The frequency data for this variant in the population databases is considered unreliable, as metrics indicate poor data quality at this position in the gnomAD database. This variant has not been reported in the literature in individuals affected with UCHL1-related conditions. ClinVar contains an entry for this variant (Variation ID: 1954778). An algorithm developed to predict the effect of missense changes on protein structure and function (PolyPhen-2) suggests that this variant is likely to be tolerated. In summary, the available evidence is currently insufficient to determine the role of this variant in disease. Therefore, it has been classified as a Variant of Uncertain Significance.